The following is an entry in ClinVar:

ClinVar aggregate classification (germline): Uncertain significance (1 of 4 stars; one submission).

Conditions:
Hereditary cancer-predisposing syndrome. Also called: Neoplastic Syndromes, Hereditary; Tumor predisposition; Hereditary neoplastic syndrome; Hereditary Cancer Syndrome. Identifiers: Orphanet 140162, MedGen C0027672, MeSH D009386, MONDO:0015356.

Allele frequency attached by ClinVar (database versions not stated): gnomAD exomes below 0.00001; ExAC 0.00001.
gnomAD v4.1: 1 of 1,597,704 alleles (0.000063%); highest among the groups gnomAD compares: Non-Finnish European, 0.000086%; no homozygotes.

Submission:

Ambry Genetics
Classification: Uncertain significance for Hereditary cancer-predisposing syndrome. Last evaluated: 2025-01-24. Review status: criteria provided, single submitter. Criteria: Ambry Variant Classification Scheme 2023. Collection method: clinical testing. Allele origin: germline.
Comment: The c.517-3C>T intronic variant results from a C to T substitution 3 nucleotides upstream from coding exon 6 in the BRCA2 gene. This nucleotide position is not well conserved in available vertebrate species. In silico splice site analysis predicts that this alteration will not have any significant effect on splicing; however, direct evidence is insufficient at this time (Ambry internal data). Based on the available evidence, the clinical significance of this variant remains unclear.

NM_000059.4(BRCA2):c.517-3C>T

Gene: BRCA2 (BRCA2 DNA repair associated; plus strand). Cytogenetic location: 13q13.1.
Variant type: single nucleotide variant.
Coding change: c.517-3C>T on transcript NM_000059.4 (MANE Select); 3 bases into the intron before coding-DNA position 517, C replaced by T.
Molecular consequence: intron variant.
Genome position (GRCh38, 1-based): chr13:32,326,496, C>T. VCF-style: chr13-32326496-C-T. GRCh37 (hg19) VCF-style: chr13-32900633-C-T.
Identifiers: ClinVar variation 825505 (VCV000825505.5), dbSNP rs752881400, ClinGen allele CA6940395.
Genomic context (GRCh38, chr13:32,326,496, plus strand): 5'-AAAATAATATCCTTAATGATCAGGGCATTTCTATAAAAAATAAACTATTTTCTTTCCTCC[C>T]AGGGTCGTCAGACACCAAAACATATTTCTGAAAGTCTAGGAGCTGAGGTGGATCCTGATA-3'